The following is an entry in ClinVar:

ClinVar aggregate classification (germline): Uncertain significance (1 of 4 stars; one submission).

Conditions:
Familial focal epilepsy with variable foci (FPEVF). Identifiers: Orphanet 98820, MedGen C1858477, MONDO:0020310.

Allele frequency attached by ClinVar (database versions not stated): gnomAD exomes 0.00001; gnomAD 0.00002; TOPMed 0.00001.
gnomAD v4.1: 16 of 1,613,990 alleles (0.00099%); highest among the groups gnomAD compares: African/African-American, 0.0027%; no homozygotes.

Submission:

Labcorp Genetics (formerly Invitae), Labcorp
Classification: Uncertain significance for Familial focal epilepsy with variable foci. Last evaluated: 2024-09-05. Review status: criteria provided, single submitter. Criteria: Invitae Variant Classification Sherloc (09022015). Collection method: clinical testing. Allele origin: germline.
Comment: This sequence change replaces asparagine, which is neutral and polar, with serine, which is neutral and polar, at codon 672 of the DEPDC5 protein (p.Asn672Ser). This variant is present in population databases (no rsID available, gnomAD 0.0009%). This variant has not been reported in the literature in individuals affected with DEPDC5-related conditions. ClinVar contains an entry for this variant (Variation ID: 2039903). An algorithm developed to predict the effect of missense changes on protein structure and function outputs the following: PolyPhen-2: "Not Available". The serine amino acid residue is found in multiple mammalian species, which suggests that this missense change does not adversely affect protein function. In summary, the available evidence is currently insufficient to determine the role of this variant in disease. Therefore, it has been classified as a Variant of Uncertain Significance.

NM_001242896.3(DEPDC5):c.2015A>G (p.Asn672Ser)

Gene: DEPDC5 (DEP domain containing 5, GATOR1 subcomplex subunit; plus strand). Cytogenetic location: 22q12.3.
Variant type: single nucleotide variant.
Coding change: c.2015A>G on transcript NM_001242896.3 (MANE Select); coding-DNA position 2015, A replaced by G.
Protein change: p.Asn672Ser; replaces asparagine 672 with serine.
Molecular consequence: missense variant. On other transcripts: non-coding transcript variant (4), intron variant (3).
Genome position (GRCh38, 1-based): chr22:31,822,701, A>G. VCF-style: chr22-31822701-A-G. GRCh37 (hg19) VCF-style: chr22-32218687-A-G.
Other names: c.2015A>G, p.Asn672Ser (NM_001136029.4, NM_001363852.2, NM_001364318.2 and 3 more transcripts); c.1931A>G, p.Asn644Ser (NM_001369901.1, NM_001369902.1); c.1870+3476A>G (NM_001363854.2, NM_001242897.2, NM_001364319.2); short protein forms N644S, N672S.
Identifiers: ClinVar variation 2039903 (VCV002039903.4), dbSNP rs900718571, ClinGen allele CA323323203.